The following is an entry in ClinVar:

ClinVar aggregate classification (germline): Conflicting classifications of pathogenicity. Review status: criteria provided, conflicting classifications (1 of 4 stars). 3 submissions from 3 submitters: Uncertain significance (2); Benign (1). Last evaluated 2025-07-17.

Conditions:
Tuberous sclerosis 2 (TSC2). Identifiers: Orphanet 805, MedGen C1860707, MONDO:0013199, OMIM 613254.
Hereditary cancer-predisposing syndrome. Also called: Neoplastic Syndromes, Hereditary; Tumor predisposition; Hereditary Cancer Syndrome; Hereditary neoplastic syndrome. Identifiers: Orphanet 140162, MedGen C0027672, MeSH D009386, MONDO:0015356.

Allele frequency attached by ClinVar (database versions not stated): TOPMed below 0.00001; ExAC 0.00002.

Submissions (3):

GeneDx
Classification: Uncertain significance. Last evaluated: 2025-07-17. Review status: criteria provided, single submitter. Criteria: GeneDx Variant Classification Process June 2021. Collection method: clinical testing. Allele origin: germline. Affected: yes.
Comment: In silico analysis suggests that this missense variant does not alter protein structure/function; Has not been previously published as pathogenic or benign to our knowledge

Labcorp Genetics (formerly Invitae), Labcorp
Classification: Benign for Tuberous sclerosis 2. Last evaluated: 2025-05-15. Review status: criteria provided, single submitter. Criteria: Invitae Variant Classification Sherloc (09022015). Collection method: clinical testing. Allele origin: germline.

Ambry Genetics
Classification: Uncertain significance for Hereditary cancer-predisposing syndrome. Last evaluated: 2024-11-22. Review status: criteria provided, single submitter. Criteria: Ambry Variant Classification Scheme 2023. Collection method: clinical testing. Allele origin: germline.
Comment: The p.F1275L variant (also known as c.3825C>A), located in coding exon 31 of the TSC2 gene, results from a C to A substitution at nucleotide position 3825. The phenylalanine at codon 1275 is replaced by leucine, an amino acid with highly similar properties. This amino acid position is not well conserved in available vertebrate species. In addition, the in silico prediction for this alteration is inconclusive. Based on the available evidence, the clinical significance of this variant remains unclear.

NM_000548.5(TSC2):c.3825C>A (p.Phe1275Leu)

Gene: TSC2 (TSC complex subunit 2; plus strand). Cytogenetic location: 16p13.3.
Variant type: single nucleotide variant.
Coding change: c.3825C>A on transcript NM_000548.5 (MANE Select); coding-DNA position 3825, C replaced by A.
Protein change: p.Phe1275Leu; replaces phenylalanine 1275 with leucine.
Molecular consequence: missense variant. On other transcripts: intron variant (6).
Genome position (GRCh38, 1-based): chr16:2,082,446, C>A. VCF-style: chr16-2082446-C-A. GRCh37 (hg19) VCF-style: chr16-2132447-C-A.
Other names: c.3093C>A, p.Phe1031Leu (NM_001318831.2); c.3693C>A, p.Phe1231Leu (NM_001370404.1); c.3696C>A, p.Phe1232Leu (NM_001370405.1, NM_021055.3); c.3814+648C>A (NM_001114382.3); c.3685+648C>A (NM_001363528.2); c.3682+648C>A (NM_001077183.3); c.3574+648C>A (NM_001318827.2); c.3538+648C>A (NM_001318829.2); and 1 more; short protein forms F1275L, F1031L, F1231L, F1232L.
Identifiers: ClinVar variation 565415 (VCV000565415.14), dbSNP rs761713908, ClinGen allele CA048795.
Genomic context (GRCh38, chr16:2,082,446, plus strand): 5'-GTGTAGCCCCTCCTCCTGCTGACGTGGCCGCACACGGCCTTCCCTTGCAGTGGCCTCTTT[C>A]TCCTCCCTGTACCAGTCCAGCTGCCAAGGACAGCTGCACAGGAGCGTTTCCTGGGCAGGT-3'
Protein context (NP_000539.2, residues 1265-1285): PLPRSNTVAS[Phe1275Leu]SSLYQSSCQG